The following is an entry in ClinVar:

NM_003184.4(TAF2):c.1280C>T (p.Pro427Leu)

Gene: TAF2 (TATA-box binding protein associated factor 2; minus strand). Cytogenetic location: 8q24.12.
Variant type: single nucleotide variant.
Coding change: c.1280C>T on transcript NM_003184.4 (MANE Select); coding-DNA position 1280, C replaced by T.
Protein change: p.Pro427Leu; replaces proline 427 with leucine.
Molecular consequence: missense variant.
Genome position (GRCh38, 1-based): chr8:119,791,457, G>A on the plus strand (C>T on the coding strand, the complement: TAF2 is on the minus strand). VCF-style: chr8-119791457-G-A. GRCh37 (hg19) VCF-style: chr8-120803697-G-A.
Other names: short protein forms P427L.
Identifiers: ClinVar variation 2168764 (VCV002168764.2), dbSNP rs746100564, ClinGen allele CA4857328.

ClinVar aggregate classification (germline): Uncertain significance (1 of 4 stars; one submission).

Allele frequency attached by ClinVar (database versions not stated): gnomAD 0.00004; gnomAD exomes 0.00004; ExAC 0.00005.
gnomAD v4.1: 61 of 1,611,430 alleles (0.0038%); highest among the groups gnomAD compares: Admixed American, 0.0084%; no homozygotes.

Submissions (2):

Labcorp Genetics (formerly Invitae), Labcorp
Classification: Uncertain significance. Last evaluated: 2022-08-09. Review status: criteria provided, single submitter. Criteria: Invitae Variant Classification Sherloc (09022015). Collection method: clinical testing. Allele origin: germline.
Comment: This sequence change replaces proline, which is neutral and non-polar, with leucine, which is neutral and non-polar, at codon 427 of the TAF2 protein (p.Pro427Leu). This variant is present in population databases (rs746100564, gnomAD 0.01%). This variant has not been reported in the literature in individuals affected with TAF2-related conditions. Algorithms developed to predict the effect of missense changes on protein structure and function (SIFT, PolyPhen-2, Align-GVGD) all suggest that this variant is likely to be tolerated. In summary, the available evidence is currently insufficient to determine the role of this variant in disease. Therefore, it has been classified as a Variant of Uncertain Significance.

Dr. Peter K. Rogan Lab, Western University
No classification provided (evidence only). Condition: Sarcoma. Review status: no classification provided. Collection method: in vitro. Allele origin: not applicable. Functional consequence: retained intron. Not counted in ClinVar's aggregate classification.